The following is an entry in ClinVar:

NM_005591.4(MRE11):c.244T>C (p.Tyr82His)

Gene: MRE11 (MRE11 double strand break repair nuclease; minus strand). Cytogenetic location: 11q21.
Variant type: single nucleotide variant.
Coding change: c.244T>C on transcript NM_005591.4 (MANE Select); coding-DNA position 244, T replaced by C.
Protein change: p.Tyr82His; replaces tyrosine 82 with histidine.
Molecular consequence: missense variant.
Genome position (GRCh38, 1-based): chr11:94,485,994, A>G on the plus strand (T>C on the coding strand, the complement: MRE11 is on the minus strand). VCF-style: chr11-94485994-A-G. GRCh37 (hg19) VCF-style: chr11-94219160-A-G.
Other names: c.244T>C, p.Tyr82His (NM_001330347.2, NM_005590.4); short protein forms Y82H.
Identifiers: ClinVar variation 140885 (VCV000140885.15), dbSNP rs587781343, ClinGen allele CA163828.
Genomic context (GRCh38, chr11:94,485,994, plus strand): 5'-CAAAGTTGACTGACTGATCACTGAGAATTTCAAACTGGACAGGCCGATCACCCATACAAT[A>G]TTTTCTTAATAACTCGAGGCAGGTATGTAATGTTTTCCTTGAGGGCTTATTTTCATGAAA-3'
Protein context (NP_005582.1, residues 72-92): LHTCLELLRK[Tyr82His]CMGDRPVQFE

ClinVar aggregate classification (germline): Uncertain significance. Review status: criteria provided, multiple submitters, no conflicts (2 of 4 stars). 4 submissions from 4 submitters: Uncertain significance (4). Last evaluated 2024-04-25.

Conditions:
Ataxia-telangiectasia-like disorder (ATLD). Identifiers: MedGen C1858391, MONDO:0011457.
Hereditary cancer-predisposing syndrome. Also called: Neoplastic Syndromes, Hereditary; Tumor predisposition; Hereditary Cancer Syndrome; Hereditary neoplastic syndrome. Identifiers: Orphanet 140162, MedGen C0027672, MeSH D009386, MONDO:0015356.
Ataxia-telangiectasia-like disorder 1 (ATLD1). Identifiers: Orphanet 251347, MedGen C4012790, MONDO:0024557, OMIM 604391.

Allele frequency attached by ClinVar (database versions not stated): gnomAD 0.00001; gnomAD exomes 0.00001 and 0.00002; TOPMed 0.00001; ExAC 0.00002.
gnomAD v4.1: 23 of 1,613,680 alleles (0.0014%); highest among the groups gnomAD compares: Non-Finnish European, 0.0015%; no homozygotes.

Submissions (4):

Labcorp Genetics (formerly Invitae), Labcorp
Classification: Uncertain significance for Ataxia-telangiectasia-like disorder. Last evaluated: 2024-04-25. Review status: criteria provided, single submitter. Criteria: Invitae Variant Classification Sherloc (09022015). Collection method: clinical testing. Allele origin: germline.
Comment: This sequence change replaces tyrosine, which is neutral and polar, with histidine, which is basic and polar, at codon 82 of the MRE11 protein (p.Tyr82His). This variant is present in population databases (rs587781343, gnomAD 0.004%). This variant has not been reported in the literature in individuals affected with MRE11-related conditions. ClinVar contains an entry for this variant (Variation ID: 140885). An algorithm developed to predict the effect of missense changes on protein structure and function (PolyPhen-2) suggests that this variant is likely to be disruptive. In summary, the available evidence is currently insufficient to determine the role of this variant in disease. Therefore, it has been classified as a Variant of Uncertain Significance.

Fulgent Genetics
Classification: Uncertain significance for Ataxia-telangiectasia-like disorder 1. Last evaluated: 2024-03-24. Review status: criteria provided, single submitter. Criteria: ACMG Guidelines, 2015. Collection method: clinical testing. Allele origin: germline.

Ambry Genetics
Classification: Uncertain significance for Hereditary cancer-predisposing syndrome. Last evaluated: 2024-03-12. Review status: criteria provided, single submitter. Criteria: Ambry Variant Classification Scheme 2023. Collection method: clinical testing. Allele origin: germline.
Comment: The p.Y82H variant (also known as c.244T>C), located in coding exon 3 of the MRE11A gene, results from a T to C substitution at nucleotide position 244. The tyrosine at codon 82 is replaced by histidine, an amino acid with similar properties. This amino acid position is highly conserved in available vertebrate species. In addition, this alteration is predicted to be deleterious by in silico analysis. Since supporting evidence is limited at this time, the clinical significance of this alteration remains unclear.

Baylor Genetics
Classification: Uncertain significance for Ataxia-telangiectasia-like disorder 1. Last evaluated: 2023-08-17. Review status: criteria provided, single submitter. Criteria: ACMG Guidelines, 2015. Collection method: clinical testing. Allele origin: unknown.